The following is an entry in ClinVar:

NM_001001563.5(TIMM50):c.820C>T (p.Arg274Trp)

Gene: TIMM50 (translocase of inner mitochondrial membrane 50; plus strand). Cytogenetic location: 19q13.2.
Variant type: single nucleotide variant.
Coding change: c.820C>T on transcript NM_001001563.5 (MANE Select); coding-DNA position 820, C replaced by T.
Protein change: p.Arg274Trp; replaces arginine 274 with tryptophan.
Molecular consequence: missense variant.
Genome position (GRCh38, 1-based): chr19:39,488,184, C>T. VCF-style: chr19-39488184-C-T. GRCh37 (hg19) VCF-style: chr19-39978824-C-T.
Other names: c.481C>T, p.Arg161Trp (NM_001329559.2); short protein forms R161W, R274W.
Identifiers: ClinVar variation 1510509 (VCV001510509.3), dbSNP rs1473081356, ClinGen allele CA405789767.

ClinVar aggregate classification (germline): Uncertain significance (1 of 4 stars; one submission).

Allele frequency attached by ClinVar (database versions not stated): TOPMed below 0.00001.
gnomAD v4.1: 9 of 1,613,916 alleles (0.00056%); highest among the groups gnomAD compares: East Asian, 0.0045%; no homozygotes.

Submission:

Labcorp Genetics (formerly Invitae), Labcorp
Classification: Uncertain significance. Last evaluated: 2022-08-10. Review status: criteria provided, single submitter. Criteria: Invitae Variant Classification Sherloc (09022015). Collection method: clinical testing. Allele origin: germline.
Comment: This sequence change replaces arginine, which is basic and polar, with tryptophan, which is neutral and slightly polar, at codon 377 of the TIMM50 protein (p.Arg377Trp). This variant is present in population databases (no rsID available, gnomAD 0.007%). This variant has not been reported in the literature in individuals affected with TIMM50-related conditions. ClinVar contains an entry for this variant (Variation ID: 1510509). Algorithms developed to predict the effect of missense changes on protein structure and function are either unavailable or do not agree on the potential impact of this missense change (SIFT: "Not Available"; PolyPhen-2: "Probably Damaging"; Align-GVGD: "Not Available"). In summary, the available evidence is currently insufficient to determine the role of this variant in disease. Therefore, it has been classified as a Variant of Uncertain Significance.